The following is an entry in ClinVar:

ClinVar aggregate classification (germline): drug response. Review status: reviewed by expert panel (3 of 4 stars). 2 submissions from 2 submitters: drug response (1). 1 of the submissions does not count toward it. Last evaluated 2021-03-24.

Conditions:
CYP2B6-related disorder. Also called: CYP2B6-related condition.
nevirapine response - Toxicity.

Allele frequency attached by ClinVar (database versions not stated): ESP Exome Variant Server 0.02145; TOPMed 0.02294; gnomAD exomes 0.00508 and 0.00182; gnomAD 0.02053 and 0.02197; ExAC 0.00647; 1000 Genomes Project 0.02316; 1000 Genomes Project 30x 0.02436.
gnomAD v4.1: 5,881 of 1,614,058 alleles (0.36%); highest among the groups gnomAD compares: African/African-American, 6.9%; 196 homozygotes.

Submissions (2):

ClinPGx
Classification: drug response for nevirapine response - Toxicity. Last evaluated: 2021-03-24. Review status: reviewed by expert panel. Criteria: Pharmacogenomics knowledge for personalized medicine. Collection method: curation. Allele origin: germline. Affected: yes.
Comment: PharmGKB Level of Evidence 2A: Variants in Level 2A clinical annotations are found in PharmGKB’s Tier 1 Very Important Pharmacogenes (VIPs). These variants are in known pharmacogenes, implying causation of drug phenotype is more likely. These clinical annotations describe variant-drug combinations with a moderate level of evidence supporting the association. For example, the association may be found in multiple cohorts, but there may be a minority of studies that do not support the majority assertion. Level 2A clinical annotations must be supported by at least two independent publications.

Drug is not necessarily used to treat response condition

PreventionGenetics, part of Exact Sciences
Classification: Benign for CYP2B6-related condition. Last evaluated: 2019-05-02. Review status: no assertion criteria provided. Collection method: clinical testing. Allele origin: germline. Not counted in ClinVar's aggregate classification.
Comment: This variant is classified as benign based on ACMG/AMP sequence variant interpretation guidelines (Richards et al. 2015 PMID: 25741868, with internal and published modifications).

Literature cited by the submitters: PubMed 23774940 (cited by ClinPGx); PubMed 25147095 (cited by ClinPGx); PubMed 28689274 (cited by ClinPGx); PubMed 28819312 (cited by ClinPGx).

NM_000767.5(CYP2B6):c.983T>C (p.Ile328Thr)

Gene: CYP2B6 (cytochrome P450 family 2 subfamily B member 6; plus strand). Cytogenetic location: 19q13.2.
Variant type: single nucleotide variant.
Coding change: c.983T>C on transcript NM_000767.5 (MANE Select); coding-DNA position 983, T replaced by C.
Protein change: p.Ile328Thr; replaces isoleucine 328 with threonine.
Molecular consequence: missense variant.
Genome position (GRCh38, 1-based): chr19:41,012,316, T>C. VCF-style: chr19-41012316-T-C. GRCh37 (hg19) VCF-style: chr19-41518221-T-C.
Other names: c.983T>C (NM_000767.4); short protein forms I328T.
Identifiers: ClinVar variation 225985 (VCV000225985.6), dbSNP rs28399499, ClinGen allele CA9455439.